The following is an entry in ClinVar:

ClinVar aggregate classification (germline): Uncertain significance (1 of 4 stars; one submission).

Allele frequency attached by ClinVar (database versions not stated): gnomAD exomes below 0.00001; gnomAD 0.00001.
gnomAD v4.1: 3 of 1,613,958 alleles (0.00019%); highest among the groups gnomAD compares: African/African-American, 0.004%; no homozygotes.

Submission:

Center for Pediatric Genomic Medicine, Children's Mercy Hospital and Clinics
Classification: Uncertain significance. Last evaluated: 2016-09-08. Review status: criteria provided, single submitter. Criteria: ACMG Guidelines, 2015. Collection method: clinical testing. Allele origin: germline.
ClinVar note: Converted during submission from Uncertain Significance to Uncertain significance.

NM_004984.4(KIF5A):c.2971C>A (p.Gln991Lys)

Gene: KIF5A (kinesin family member 5A; plus strand). Cytogenetic location: 12q13.3.
Variant type: single nucleotide variant.
Coding change: c.2971C>A on transcript NM_004984.4 (MANE Select); coding-DNA position 2971, C replaced by A.
Protein change: p.Gln991Lys; replaces glutamine 991 with lysine.
Molecular consequence: missense variant.
Genome position (GRCh38, 1-based): chr12:57,581,931, C>A. VCF-style: chr12-57581931-C-A. GRCh37 (hg19) VCF-style: chr12-57975714-C-A.
Other names: c.2704C>A, p.Gln902Lys (NM_001354705.2); short protein forms Q991K, Q902K.
Identifiers: ClinVar variation 377241 (VCV000377241.3), dbSNP rs1057520171, ClinGen allele CA16603313.